The following is an entry in ClinVar:

ClinVar aggregate classification (germline): Benign/Likely benign. Review status: criteria provided, multiple submitters, no conflicts (2 of 4 stars). 8 submissions from 8 submitters: Benign (1); Likely benign (3). 4 of the submissions do not count toward it. Last evaluated 2026-07-01.

Conditions:
PAX8-related disorder. Also called: PAX8-related condition.
PAX8 POLYMORPHISM.
Hypothyroidism, congenital, nongoitrous, 2 (CHNG2). Also called: Hypothyroidism, congenital, due to thyroid dysgenesis or hypoplasia. Identifiers: Orphanet 95712, MedGen C1869118, MONDO:0024264, OMIM 218700.

Allele frequency attached by ClinVar (database versions not stated): 1000 Genomes Project 30x 0.00500; 1000 Genomes Project 0.00519; gnomAD 0.01596 and 0.01628; gnomAD exomes 0.01637; ExAC 0.01838; TOPMed 0.01550.
gnomAD v4.1: 39,941 of 1,613,868 alleles (2.5%); highest among the groups gnomAD compares: Non-Finnish European, 3.1%; 614 homozygotes.

Submissions (8):

CeGaT Center for Human Genetics Tuebingen
Classification: Benign. Last evaluated: 2026-07-01. Review status: criteria provided, single submitter. Criteria: CeGaT Center For Human Genetics Tuebingen Variant Classification Criteria Version 2. Collection method: clinical testing. Allele origin: germline. Affected: yes. Observed: 11 variant alleles.
Comment: PAX8: BS1, BS2

Fulgent Genetics
Classification: Likely benign for Hypothyroidism, congenital, nongoitrous, 2. Last evaluated: 2021-10-20. Review status: criteria provided, single submitter. Criteria: ACMG Guidelines, 2015. Collection method: clinical testing. Allele origin: unknown.

Illumina Laboratory Services, Illumina
Classification: Likely benign for Hypothyroidism, congenital, nongoitrous, 2. Last evaluated: 2017-04-27. Review status: criteria provided, single submitter. Criteria: ICSL Variant Classification Criteria 13 December 2019. Collection method: clinical testing. Allele origin: germline.
Comment: This variant was observed as part of a predisposition screen in an ostensibly healthy population. A literature search was performed for the gene, cDNA change, and amino acid change (where applicable). Publications were found based on this search. The evidence from the literature, in combination with allele frequency data from public databases where available, was sufficient to determine this variant is unlikely to cause disease. Therefore, this variant is classified as likely benign.

Breakthrough Genomics
Classification: Likely benign. Review status: criteria provided, single submitter. Criteria: ACMG Guidelines, 2015. Collection method: not provided. Allele origin: germline. Inheritance: Autosomal dominant inheritance. Affected: yes.

PreventionGenetics, part of Exact Sciences
Classification: Benign for PAX8-related condition. Last evaluated: 2019-12-03. Review status: no assertion criteria provided. Collection method: clinical testing. Allele origin: germline. Not counted in ClinVar's aggregate classification.
Comment: This variant is classified as benign based on ACMG/AMP sequence variant interpretation guidelines (Richards et al. 2015 PMID: 25741868, with internal and published modifications).

OMIM
Classification: Benign for PAX8 POLYMORPHISM. Last evaluated: 1997-10-17. Review status: no assertion criteria provided. Collection method: literature only. Allele origin: germline. Not counted in ClinVar's aggregate classification.

Clinical Genetics, Academic Medical Center
Classification: Benign. Review status: no assertion criteria provided. Collection method: clinical testing. Allele origin: germline. Affected: yes. Study: VKGL Data-share Consensus. Not counted in ClinVar's aggregate classification.

Genome Diagnostics Laboratory, University Medical Center Utrecht
Classification: Benign. Review status: no assertion criteria provided. Collection method: clinical testing. Allele origin: germline. Affected: yes. Study: VKGL Data-share Consensus. Not counted in ClinVar's aggregate classification.

Literature cited by the submitters: PubMed 23647375 (cited by Illumina Laboratory Services, Illumina); PubMed 17437516 (cited by Illumina Laboratory Services, Illumina); PubMed 9382140 (cited by Illumina Laboratory Services, Illumina and OMIM); PubMed 9523167 (cited by Illumina Laboratory Services, Illumina).

NM_003466.4(PAX8):c.985T>C (p.Phe329Leu)

Gene: PAX8 (paired box 8; minus strand). Cytogenetic location: 2q14.1.
Variant type: single nucleotide variant.
Coding change: c.985T>C on transcript NM_003466.4 (MANE Select); coding-DNA position 985, T replaced by C.
Protein change: p.Phe329Leu; replaces phenylalanine 329 with leucine.
Molecular consequence: missense variant. On other transcripts: synonymous variant (1), intron variant (2).
Genome position (GRCh38, 1-based): chr2:113,235,496, A>G on the plus strand (T>C on the coding strand, the complement: PAX8 is on the minus strand). VCF-style: chr2-113235496-A-G. GRCh37 (hg19) VCF-style: chr2-113993073-A-G.
Other names: c.906T>C, p.Pro302= (NM_013952.4); c.777+6055T>C (NM_013992.4, NM_013953.4); short protein forms F329L.
Identifiers: ClinVar variation 13782 (VCV000013782.34), dbSNP rs3188996, ClinGen allele CA123456.
Genomic context (GRCh38, chr2:113,235,496, plus strand): 5'-CAGCATGGGGAAAGGCATTGAAGGGCGGGACCCCGGAGCCGACTTGCTGCAGATCCAAAA[A>G]GGCGGAGCTAGATAAAGAGGAAGGGGTGGAGCTAGAACTGGACACCTCGGGGGTTTCCTG-3'
Protein context (NP_003457.1, residues 319-339): STPSSLSSSA[Phe329Leu]LDLQQVGSGV